The following is an entry in ClinVar:

ClinVar aggregate classification (germline): Benign/Likely benign. Review status: criteria provided, multiple submitters, no conflicts (2 of 4 stars). 3 submissions from 3 submitters: Benign (2); Likely benign (1). Last evaluated 2026-02-04.

Conditions:
Retinitis pigmentosa (RP). Identifiers: Orphanet 791, MedGen C0035334, MeSH D012174, MONDO:0019200, OMIM 268000. Inheritance: Autosomal dominant, autosomal recessive and X linked inheritance.

Allele frequency attached by ClinVar (database versions not stated): gnomAD exomes 0.00034 and 0.00111; ExAC 0.00134; 1000 Genomes Project 0.00344; gnomAD 0.00377 and 0.00408; 1000 Genomes Project 30x 0.00395; TOPMed 0.00415; ESP Exome Variant Server 0.00511.
gnomAD v4.1: 818 of 1,210,135 alleles (0.068%); highest among the groups gnomAD compares: African/African-American, 1.3%; 6 homozygotes.

Submissions (3):

Labcorp Genetics (formerly Invitae), Labcorp
Classification: Benign. Last evaluated: 2026-02-04. Review status: criteria provided, single submitter. Criteria: Invitae Variant Classification Sherloc (09022015). Collection method: clinical testing. Allele origin: germline.

Blueprint Genetics
Classification: Likely benign. Last evaluated: 2024-11-27. Review status: criteria provided, single submitter. Criteria: ACMG Guidelines, 2015. Collection method: clinical testing. Allele origin: germline.

Illumina Laboratory Services, Illumina
Classification: Benign for Retinitis pigmentosa. Last evaluated: 2018-01-13. Review status: criteria provided, single submitter. Criteria: ICSL Variant Classification Criteria 13 December 2019. Collection method: clinical testing. Allele origin: germline.
Comment: This variant was observed in the ICSL laboratory as part of a predisposition screen in an ostensibly healthy population. It had not been previously curated by ICSL or reported in the Human Gene Mutation Database (HGMD: prior to June 1st, 2018), and was therefore a candidate for classification through an automated scoring system. Utilizing variant allele frequency, disease prevalence and penetrance estimates, and inheritance mode, an automated score was calculated to assess if this variant is too frequent to cause the disease. Based on the score and internal cut-off values, a variant classified as benign is not then subjected to further curation. The score for this variant resulted in a classification of benign for this disease.

NM_006915.3(RP2):c.606T>C (p.Pro202=)

Gene: RP2 (RP2 activator of ARL3 GTPase; plus strand). Cytogenetic location: Xp11.3.
Variant type: single nucleotide variant.
Coding change: c.606T>C on transcript NM_006915.3 (MANE Select); coding-DNA position 606, T replaced by C.
Protein change: p.Pro202=; no amino-acid change (proline 202 retained).
Molecular consequence: synonymous variant.
Genome position (GRCh38, 1-based): chrX:46,853,979, T>C. VCF-style: chrX-46853979-T-C. GRCh37 (hg19) VCF-style: chrX-46713414-T-C.
Identifiers: ClinVar variation 788051 (VCV000788051.15), dbSNP rs144795993, ClinGen allele CA10394221.